The following is an entry in ClinVar:

ClinVar aggregate classification (germline): Uncertain significance. Review status: criteria provided, multiple submitters, no conflicts (2 of 4 stars). 2 submissions from 2 submitters: Uncertain significance (2). Last evaluated 2024-09-06.

Conditions:
Inborn genetic diseases. Identifiers: MedGen C0950123, MeSH D030342.

gnomAD v4.1: 5 of 1,614,216 alleles (0.00031%); highest among the groups gnomAD compares: Non-Finnish European, 0.00042%; no homozygotes.

Submissions (2):

Labcorp Genetics (formerly Invitae), Labcorp
Classification: Uncertain significance. Last evaluated: 2024-09-06. Review status: criteria provided, single submitter. Criteria: Invitae Variant Classification Sherloc (09022015). Collection method: clinical testing. Allele origin: germline.
Comment: This sequence change replaces glutamic acid, which is acidic and polar, with glutamine, which is neutral and polar, at codon 1155 of the MYO5B protein (p.Glu1155Gln). This variant is not present in population databases (gnomAD no frequency). This variant has not been reported in the literature in individuals affected with MYO5B-related conditions. Invitae Evidence Modeling of protein sequence and biophysical properties (such as structural, functional, and spatial information, amino acid conservation, physicochemical variation, residue mobility, and thermodynamic stability) indicates that this missense variant is not expected to disrupt MYO5B protein function with a negative predictive value of 80%. In summary, the available evidence is currently insufficient to determine the role of this variant in disease. Therefore, it has been classified as a Variant of Uncertain Significance.

Ambry Genetics
Classification: Uncertain significance for Inborn genetic diseases. Last evaluated: 2023-10-13. Review status: criteria provided, single submitter. Criteria: Ambry Variant Classification Scheme 2023. Collection method: clinical testing. Allele origin: germline.

NM_001080467.3(MYO5B):c.3463G>C (p.Glu1155Gln)

Gene: MYO5B (myosin VB; minus strand). Cytogenetic location: 18q21.1.
Variant type: single nucleotide variant.
Coding change: c.3463G>C on transcript NM_001080467.3 (MANE Select); coding-DNA position 3463, G replaced by C.
Protein change: p.Glu1155Gln; replaces glutamic acid 1155 with glutamine.
Molecular consequence: missense variant.
Genome position (GRCh38, 1-based): chr18:49,875,761, C>G on the plus strand (G>C on the coding strand, the complement: MYO5B is on the minus strand). VCF-style: chr18-49875761-C-G. GRCh37 (hg19) VCF-style: chr18-47402131-C-G.
Other names: short protein forms E1155Q.
Identifiers: ClinVar variation 3165273 (VCV003165273.3), dbSNP rs2024513775, ClinGen allele CA402428239.